The following is an entry in ClinVar:

ClinVar aggregate classification (germline): Uncertain significance. Review status: criteria provided, multiple submitters, no conflicts (2 of 4 stars). 2 submissions from 2 submitters: Uncertain significance (2). Last evaluated 2024-11-14.

Allele frequency attached by ClinVar (database versions not stated): ExAC 0.00001; TOPMed 0.00001; gnomAD 0.00002; 1000 Genomes Project 30x 0.00016; 1000 Genomes Project 0.00020.
gnomAD v4.1: 4 of 1,574,086 alleles (0.00025%); highest among the groups gnomAD compares: Admixed American, 0.004%; no homozygotes.

Submissions (2):

Ambry Genetics
Classification: Uncertain significance. Last evaluated: 2024-11-14. Review status: criteria provided, single submitter. Criteria: Ambry Variant Classification Scheme 2023. Collection method: clinical testing. Allele origin: germline.

Women's Health and Genetics/Laboratory Corporation of America, LabCorp
Classification: Uncertain significance. Last evaluated: 2024-04-24. Review status: criteria provided, single submitter. Criteria: LabCorp Variant Classification Summary - May 2015. Collection method: clinical testing. Allele origin: germline.
Comment: Variant summary: EIF2AK1 c.583A>T (p.Ile195Leu) results in a conservative amino acid change located in the Protein kinase domain (IPR000719) of the encoded protein sequence. Three of five in-silico tools predict a benign effect of the variant on protein function. The variant allele was found at a frequency of 9e-06 in 223090 control chromosomes. The available data on variant occurrences in the general population are insufficient to allow any conclusion about variant significance. To our knowledge, no occurrence of c.583A>T in individuals affected with Leukoencephalopathy, Motor Delay, Spasticity, And Dysarthria Syndrome and no experimental evidence demonstrating its impact on protein function have been reported. No submitters have cited clinical-significance assessments for this variant to ClinVar. Based on the evidence outlined above, the variant was classified as uncertain significance.

NM_014413.4(EIF2AK1):c.583A>T (p.Ile195Leu)

Gene: EIF2AK1 (eukaryotic translation initiation factor 2 alpha kinase 1; minus strand). Cytogenetic location: 7p22.1.
Variant type: single nucleotide variant.
Coding change: c.583A>T on transcript NM_014413.4 (MANE Select); coding-DNA position 583, A replaced by T.
Protein change: p.Ile195Leu; replaces isoleucine 195 with leucine.
Molecular consequence: missense variant.
Genome position (GRCh38, 1-based): chr7:6,046,118, T>A on the plus strand (A>T on the coding strand, the complement: EIF2AK1 is on the minus strand). VCF-style: chr7-6046118-T-A. GRCh37 (hg19) VCF-style: chr7-6085749-T-A.
Other names: c.583A>T, p.Ile195Leu (NM_001134335.2); c.583A>T (NM_014413.3); short protein forms I195L.
Identifiers: ClinVar variation 3251719 (VCV003251719.2), dbSNP rs138377344.